The following is an entry in ClinVar:

NM_000441.2(SLC26A4):c.221G>A (p.Trp74Ter)

Gene: SLC26A4 (solute carrier family 26 member 4; plus strand). Cytogenetic location: 7q22.3.
Variant type: single nucleotide variant.
Coding change: c.221G>A on transcript NM_000441.2 (MANE Select); coding-DNA position 221, G replaced by A.
Protein change: p.Trp74Ter; replaces tryptophan 74 with a stop codon.
Molecular consequence: nonsense.
Genome position (GRCh38, 1-based): chr7:107,663,352, G>A. VCF-style: chr7-107663352-G-A. GRCh37 (hg19) VCF-style: chr7-107303797-G-A.
Other names: short protein forms W74*.
Identifiers: ClinVar variation 3382206 (VCV003382206.2).

ClinVar aggregate classification (germline): Pathogenic (1 of 4 stars; one submission).

Conditions:
Pendred syndrome (PDS). Also called: THYROID DYSHORMONOGENESIS 2B; THYROID HORMONOGENESIS, GENETIC DEFECT IN, 2B; Pendred Syndrome (PDS); DEAFNESS WITH GOITER; GOITER-DEAFNESS SYNDROME; HYPOTHYROIDISM, CONGENITAL, DUE TO DYSHORMONOGENESIS, 2B. Identifiers: Orphanet 705, MedGen C0271829, MONDO:0010134, OMIM 274600.
Autosomal recessive nonsyndromic hearing loss 4 (DFNB4). Also called: NEUROSENSORY NONSYNDROMIC RECESSIVE DEAFNESS 4; Deafness, autosomal recessive 4, with enlarged vestibular aqueduct; Deafness, autosomal recessive 4; Enlarged vestibular aqueduct, digenic; Nonsyndromic enlarged vestibular aqueduct (NSEVA); DEAFNESS, AUTOSOMAL RECESSIVE 4, WITH ENLARGED VESTIBULAR AQUEDUCT, DIGENIC. Identifiers: Orphanet 90636, MedGen C3538946, MONDO:0010933, OMIM 600791.

Submission:

Juno Genomics, Hangzhou Juno Genomics, Inc
Classification: Pathogenic for Autosomal recessive nonsyndromic hearing loss 4; Pendred syndrome. Review status: criteria provided, single submitter. Criteria: ACMG Guidelines, 2015. Collection method: clinical testing. Allele origin: germline. Affected: yes.
Comment: Absent from controls (or at extremely low frequency if recessive) in Genome Aggregation Database, Exome Sequencing Project, 1000 Genomes Project, or Exome Aggregation Consortium.;Null variant in a gene where loss of function (LOF) is a known mechanism of disease.;For recessive disorders, detected in trans with a pathogenic variant.